The following is an entry in ClinVar:

NM_001845.6(COL4A1):c.4466C>T (p.Thr1489Met)

Gene: COL4A1 (collagen type IV alpha 1 chain; minus strand). Cytogenetic location: 13q34.
Variant type: single nucleotide variant.
Coding change: c.4466C>T on transcript NM_001845.6 (MANE Select); coding-DNA position 4466, C replaced by T.
Protein change: p.Thr1489Met; replaces threonine 1489 with methionine.
Molecular consequence: missense variant.
Genome position (GRCh38, 1-based): chr13:110,161,366, G>A on the plus strand (C>T on the coding strand, the complement: COL4A1 is on the minus strand). VCF-style: chr13-110161366-G-A. GRCh37 (hg19) VCF-style: chr13-110813713-G-A.
Other names: short protein forms T1489M.
Identifiers: ClinVar variation 3708156 (VCV003708156.4).

ClinVar aggregate classification (germline): Uncertain significance. Review status: criteria provided, multiple submitters, no conflicts (2 of 4 stars). 2 submissions from 2 submitters: Uncertain significance (2). Last evaluated 2026-06-01.

gnomAD v4.1: 9 of 1,609,904 alleles (0.00056%); highest among the groups gnomAD compares: East Asian, 0.0022%; no homozygotes.

Submissions (2):

CeGaT Center for Human Genetics Tuebingen
Classification: Uncertain significance. Last evaluated: 2026-06-01. Review status: criteria provided, single submitter. Criteria: CeGaT Center For Human Genetics Tuebingen Variant Classification Criteria Version 2. Collection method: clinical testing. Allele origin: germline. Affected: yes. Observed: 1 variant allele.
Comment: COL4A1: PP3

Labcorp Genetics (formerly Invitae), Labcorp
Classification: Uncertain significance. Last evaluated: 2024-04-12. Review status: criteria provided, single submitter. Criteria: Invitae Variant Classification Sherloc (09022015). Collection method: clinical testing. Allele origin: germline.
Comment: This sequence change replaces threonine, which is neutral and polar, with methionine, which is neutral and non-polar, at codon 1489 of the COL4A1 protein (p.Thr1489Met). This variant is present in population databases (no rsID available, gnomAD 0.006%). This variant has not been reported in the literature in individuals affected with COL4A1-related conditions. Experimental studies and prediction algorithms are not available or were not evaluated, and the functional significance of this variant is currently unknown. In summary, the available evidence is currently insufficient to determine the role of this variant in disease. Therefore, it has been classified as a Variant of Uncertain Significance.